The following is an entry in ClinVar:

ClinVar aggregate classification (germline): Likely benign (1 of 4 stars; one submission).

Conditions:
Acyl-CoA oxidase deficiency. Also called: STRAIGHT-CHAIN ACYL-CoA OXIDASE DEFICIENCY; Pseudoneonatal adrenoleukodystrophy; Peroxisomal acyl-CoA oxidase deficiency. Identifiers: Orphanet 2971, MedGen C1849678, MONDO:0009919, OMIM 264470. Disease mechanism: loss of function.

Allele frequency attached by ClinVar (database versions not stated): gnomAD 0.00211 and 0.00228; TOPMed 0.00250; 1000 Genomes Project 30x 0.00344; 1000 Genomes Project 0.00359.

Submission:

Illumina Laboratory Services, Illumina
Classification: Likely benign for Acyl-CoA oxidase deficiency. Last evaluated: 2018-01-13. Review status: criteria provided, single submitter. Criteria: ICSL Variant Classification Criteria 13 December 2019. Collection method: clinical testing. Allele origin: germline.
Comment: This variant was observed in the ICSL laboratory as part of a predisposition screen in an ostensibly healthy population. It had not been previously curated by ICSL or reported in the Human Gene Mutation Database (HGMD: prior to June 1st, 2018), and was therefore a candidate for classification through an automated scoring system. Utilizing variant allele frequency, disease prevalence and penetrance estimates, and inheritance mode, an automated score was calculated to assess if this variant is too frequent to cause the disease. Based on the score and internal cut-off values, a variant classified as likely benign is not then subjected to further curation. The score for this variant resulted in a classification of likely benign for this disease.

NM_004035.7(ACOX1):c.*1813C>T

Gene: ACOX1 (acyl-CoA oxidase 1; minus strand). Cytogenetic location: 17q25.1.
Variant type: single nucleotide variant.
Coding change: c.*1813C>T on transcript NM_004035.7 (MANE Select); 1813 bases downstream of the stop codon, C replaced by T.
Molecular consequence: 3 prime UTR variant.
Genome position (GRCh38, 1-based): chr17:75,944,935, G>A on the plus strand (C>T on the coding strand, the complement: ACOX1 is on the minus strand). VCF-style: chr17-75944935-G-A. GRCh37 (hg19) VCF-style: chr17-73941016-G-A.
Other names: c.*1813C>T (NM_001185039.2, NM_007292.6).
Identifiers: ClinVar variation 325341 (VCV000325341.5), dbSNP rs144899104, ClinGen allele CA10646853.